The following is an entry in ClinVar:

ClinVar aggregate classification (germline): Uncertain significance (1 of 4 stars; one submission).

Submission:

Ambry Genetics
Classification: Uncertain significance. Last evaluated: 2023-12-24. Review status: criteria provided, single submitter. Criteria: Ambry Variant Classification Scheme 2023. Collection method: clinical testing. Allele origin: germline.
Comment: The p.P164A variant (also known as c.490C>G), located in coding exon 1 of the EGLN1 gene, results from a C to G substitution at nucleotide position 490. The proline at codon 164 is replaced by alanine, an amino acid with highly similar properties. This amino acid position is conserved. In addition, this alteration is predicted to be tolerated by in silico analysis. Since supporting evidence is limited at this time, the clinical significance of this alteration remains unclear.

NM_022051.3(EGLN1):c.490C>G (p.Pro164Ala)

Gene: EGLN1 (egl-9 family hypoxia inducible factor 1; minus strand). Cytogenetic location: 1q42.2.
Variant type: single nucleotide variant.
Coding change: c.490C>G on transcript NM_022051.3 (MANE Select); coding-DNA position 490, C replaced by G.
Protein change: p.Pro164Ala; replaces proline 164 with alanine.
Molecular consequence: missense variant.
Genome position (GRCh38, 1-based): chr1:231,421,399, G>C on the plus strand (C>G on the coding strand, the complement: EGLN1 is on the minus strand). VCF-style: chr1-231421399-G-C. GRCh37 (hg19) VCF-style: chr1-231557145-G-C.
Other names: c.490C>G, p.Pro164Ala (NM_001377260.1, NM_001377261.1); short protein forms P164A.
Identifiers: ClinVar variation 3227721 (VCV003227721.1), dbSNP rs1407678909, ClinGen allele CA345236800.